The following is an entry in ClinVar:

ClinVar aggregate classification (germline): Uncertain significance (1 of 4 stars; one submission).

Submission:

Ambry Genetics
Classification: Uncertain significance. Last evaluated: 2024-02-04. Review status: criteria provided, single submitter. Criteria: Ambry Variant Classification Scheme 2023. Collection method: clinical testing. Allele origin: germline.
Comment: The p.P1096T variant (also known as c.3286C>A), located in coding exon 16 of the POLQ gene, results from a C to A substitution at nucleotide position 3286. The proline at codon 1096 is replaced by threonine, an amino acid with highly similar properties. This amino acid position is conserved. In addition, this alteration is predicted to be tolerated by in silico analysis. Based on the available evidence, the clinical significance of this alteration remains unclear.

NM_199420.4(POLQ):c.3286C>A (p.Pro1096Thr)

Gene: POLQ (DNA polymerase theta; minus strand). Cytogenetic location: 3q13.33.
Variant type: single nucleotide variant.
Coding change: c.3286C>A on transcript NM_199420.4 (MANE Select); coding-DNA position 3286, C replaced by A.
Protein change: p.Pro1096Thr; replaces proline 1096 with threonine.
Molecular consequence: missense variant.
Genome position (GRCh38, 1-based): chr3:121,489,645, G>T on the plus strand (C>A on the coding strand, the complement: POLQ is on the minus strand). VCF-style: chr3-121489645-G-T. GRCh37 (hg19) VCF-style: chr3-121208492-G-T.
Other names: short protein forms P1096T.
Identifiers: ClinVar variation 3229923 (VCV003229923.1), dbSNP rs2546787589, ClinGen allele CA354100851.
Genomic context (GRCh38, chr3:121,489,645, plus strand): 5'-ATGGGAATGATGTTTTATTATCTTTTTCCTTACCACTCAAAGATACATTTTTAGCAAATG[G>T]CCCTGAATTTCTAAATTCCGTTTTCTTCTCATCTAAGGTAAACGGGTCTTCACAAAGACT-3'
Protein context (NP_955452.3, residues 1086-1106): EKKTEFRNSG[Pro1096Thr]FAKNVSLSGK